The following continues an entry in ClinVar:

NM_000203.5(IDUA):c.1205G>A (p.Trp402Ter)

Gene: IDUA. ClinVar aggregate classification (germline): Pathogenic. Pathogenic (1).

Submissions 9 to 22 of 37:

First Genomix Gene Laboratory, Genetic Diagnostics Department
Classification: Likely pathogenic for Hurler syndrome; Mucopolysaccharidosis, MPS-I-H/S; Mucopolysaccharidosis, MPS-I-S. Last evaluated: 2025-06-20. Review status: criteria provided, single submitter. Criteria: ACMG Guidelines, 2015. Collection method: clinical testing. Allele origin: germline. Inheritance: Autosomal recessive inheritance. Affected: no. Observed: 1 variant allele. Not counted in ClinVar's aggregate classification.

Revvity Omics, Revvity
Classification: Pathogenic. Last evaluated: 2025-04-16. Review status: criteria provided, single submitter. Criteria: ACMG Guidelines, 2015. Collection method: clinical testing. Allele origin: germline. Not counted in ClinVar's aggregate classification.

Variantyx, Inc.
Classification: Pathogenic for Autosomal recessive IDUA-related disorders. Last evaluated: 2025-03-28. Review status: criteria provided, single submitter. Criteria: Variantyx Assertion Criteria 2022. Collection method: clinical testing. Allele origin: germline. Not counted in ClinVar's aggregate classification.
Comment: This is a nonsense variant in the IDUA gene (OMIM: 252800). Pathogenic variants in this gene have been associated with autosomal recessive IDUA-related disorders. This variant introduces a premature termination codon in exon 9 out of 14. It is expected to result in loss of function, which is a known disease mechanism for IDUA in this disorder (PVS1). This variant has been identified in the homozygous or compound heterozygous state in multiple affected individuals from the published literature (PMID: 21394825, 1301196, 11735025) (PM3_Very_Strong). This variant has a 0.1555% maximum allele frequency in non-founder control populations. Based on the current evidence, this variant is classified as pathogenic for autosomal recessive IDUA-related disorders.

Blueprint Genetics
Classification: Pathogenic for IDUA-related disorders. Last evaluated: 2024-10-07. Review status: criteria provided, single submitter. Criteria: ACMG Guidelines, 2015. Collection method: clinical testing. Allele origin: germline. Affected: yes. Observed: 5 variant alleles. Not counted in ClinVar's aggregate classification.

Clinical Genomics Laboratory, Washington University in St. Louis
Classification: Pathogenic for Hurler syndrome. Last evaluated: 2024-02-13. Review status: criteria provided, single submitter. Criteria: ACMG Guidelines, 2015. Collection method: clinical testing. Allele origin: germline. Not counted in ClinVar's aggregate classification.
Comment: The IDUA c.1205G>A (p.Trp402Ter) variant is the most common reported variant in individuals affected with mucopolysaccharidosis I. This variant has been observed in both a homozygous and compound heterozygous state in affected individuals (Beesley CE et al., PMID: 11735025; Bertola F et al., PMID: 21394825; Gort L et al., PMID: 10215409; Pollard LM et al., PMID: 22976768; Scott HS et al., PMID: 1301196). This variant causes a stop gain, which is predicted to lead to nonsense mediated decay. In vivo mouse studies modeling this variant show no detectable alpha-L-iduronidase activity, indicating that this variant impacts protein function (Wang D et al., PMID: 19751987). The highest population minor allele frequency in the population database genome aggregation database (v.2.1.1) is 0.14% in the European non-Finnish population. This variant has been reported in the ClinVar database as a germline pathogenic variant by ten submitters. Based on available information and the ACMG/AMP guidelines for variant interpretation (Richards S et al., PMID: 25741868), this variant is classified as pathogenic.

Laboratorio de Genetica e Diagnostico Molecular, Hospital Israelita Albert Einstein
Classification: Pathogenic. Last evaluated: 2024-01-03. Review status: criteria provided, single submitter. Criteria: ACMG Guidelines, 2015. Collection method: clinical testing. Allele origin: germline. Affected: yes. Not counted in ClinVar's aggregate classification.
Comment: ACMG classification criteria: PVS1, PM2_supporting, PM3, PP4

Centre of Medical Genetics, University Hospital Muenster
Classification: Pathogenic. Last evaluated: 2023-07-04. Review status: criteria provided, single submitter. Criteria: ACMG Guidelines, 2015. Collection method: clinical testing. Allele origin: unknown. Affected: yes. Observed: 1 variant allele, 1 heterozygote. Not counted in ClinVar's aggregate classification.
Comment: ACMG categories: PVS1,PM2,PP3,PP5

Ambry Genetics
Classification: Pathogenic for Inborn genetic diseases. Last evaluated: 2022-06-29. Review status: criteria provided, single submitter. Criteria: Ambry Variant Classification Scheme 2023. Collection method: clinical testing. Allele origin: germline. Not counted in ClinVar's aggregate classification.
Comment: The c.1205G>A (p.W402*) alteration, located in exon 9 (coding exon 9) of the IDUA gene, consists of a G to A substitution at nucleotide position 1205. This changes the amino acid from a tryptophan (W) to a stop codon at amino acid position 402. This alteration is expected to result in loss of function by premature protein truncation or nonsense-mediated mRNA decay. This alteration has been detected in the homozygous state, and in conjunction with a pathogenic IDUA mutation, in multiple individuals with mucopolysaccharidosis type I (MPS1) (Gort, 1998; Scott, 1992; Li, 2002; Bush, 2019; Guffon, 2021). Based on the available evidence, this alteration is classified as pathogenic.

Greenwood Genetic Center Diagnostic Laboratories, Greenwood Genetic Center
Classification: Pathogenic for Hurler syndrome; Mucopolysaccharidosis, MPS-I-H/S; Mucopolysaccharidosis, MPS-I-S. Last evaluated: 2021-12-29. Review status: criteria provided, single submitter. Criteria: ACMG Guidelines, 2015. Collection method: clinical testing. Allele origin: germline. Affected: yes. Not counted in ClinVar's aggregate classification.
Comment: PVS1, PS3, PP1, PM3

Institute for Clinical Genetics, University Hospital TU Dresden, University Hospital TU Dresden
Classification: Pathogenic. Last evaluated: 2021-11-03. Review status: criteria provided, single submitter. Criteria: ACMG Guidelines, 2015. Collection method: clinical testing. Allele origin: germline. Not counted in ClinVar's aggregate classification.

Mayo Clinic Laboratories, Mayo Clinic
Classification: Pathogenic. Last evaluated: 2021-09-13. Review status: criteria provided, single submitter. Criteria: ACMG Guidelines, 2015. Collection method: clinical testing. Allele origin: germline. Not counted in ClinVar's aggregate classification.

GeneDx
Classification: Pathogenic. Last evaluated: 2020-12-11. Review status: criteria provided, single submitter. Criteria: GeneDx Variant Classification Process June 2021. Collection method: clinical testing. Allele origin: germline. Affected: yes. Not counted in ClinVar's aggregate classification.
Comment: One of the most common pathogenic variants identified in European and American individuals with mucopolysaccharidosis type I, accounting for 17-48% of pathogenic variants in these populations (Bunge et al., 1994; Beesley et al., 2001; Pollard et al., 2013); Nonsense variant predicted to result in protein truncation or nonsense mediated decay in a gene for which loss-of-function is a known mechanism of disease; This variant is associated with the following publications: (PMID: 32371413, 31980526, 32670797, 7951228, 30548430, 29654546, 1301196, 22976768, 26965916, 27511503, 15081804, 21364962, 8213840, 12509712, 8554071, 9427149, 11735025, 25525159, 19751987, 24368159, 23786846, 24698225, 30609409)

Broad Center for Mendelian Genomics, Broad Institute of MIT and Harvard
Classification: Pathogenic for Mucopolysaccharidosis type 1. Last evaluated: 2020-01-13. Review status: criteria provided, single submitter. Criteria: ACMG Guidelines, 2015. Collection method: curation. Allele origin: germline. Inheritance: Autosomal recessive inheritance. Not counted in ClinVar's aggregate classification.
Comment: The p.Trp402Ter variant in IDUA has been reported in at least 85 individuals with mucopolysaccharidosis (MSP) (PMID: 28752568, 10215409) and has been identified in 0.142% (69/48650) of European (non-Finnish) chromosomes, 0.046% (9/19442) of Latino chromosomes, and 0.034% (3/8772) of European (Finnish) chromosomes by the Genome Aggregation Database (gnomAD; dbSNP rs121965019). Although this variant has been seen in the general population, its frequency is not high enough to rule out a pathogenic role. This variant has also been reported in ClinVar (VariationID: 11908) as pathogenic by 12 submitters. Animal models in mice have shown that this variant causes MSP (doi: 10.1016/j.ymgme.2014.12.026). This nonsense variant leads to a premature termination codon at position 402, which is predicted to lead to a truncated or absent protein. Heterozygous loss of function of the IDUA gene is an established disease mechanism in MSP. The phenotype of individuals compound heterozygous for this variant is highly specific for MSP based on very low alpha-L-iduronidase activity consistent with disease (PMID: 28752568). The presence of this variant in 38 affected homozygotes and in combination with reported pathogenic variants in at least 38 affected individuals increases the likelihood that the p.Trp402Ter variant is pathogenic (VariationID: 222996, 11909, 167190; PMID: 28752568, 10215409). In summary, this variant meets criteria to be classified as pathogenic for MSP in an autosomal recessive manner based on the prediction that it will cause loss of function, mouse models, and the presence of the variant in affected homozygotes. ACMG/AMP Criteria applied: PVS1, PM3_very-strong, PS3, PP4 (Richards 2015).

Women's Health and Genetics/Laboratory Corporation of America, LabCorp
Classification: Pathogenic for Mucopolysaccharidosis type 1. Last evaluated: 2019-12-17. Review status: criteria provided, single submitter. Criteria: LabCorp Variant Classification Summary - May 2015. Collection method: clinical testing. Allele origin: germline. Not counted in ClinVar's aggregate classification.
Comment: Variant summary: IDUA c.1205G>A (p.Trp402X) results in a premature termination codon, predicted to cause a truncation of the encoded protein or absence of the protein due to nonsense mediated decay, which are commonly known mechanisms for disease. The variant allele was found at a frequency of 0.00059 in 90548 control chromosomes. c.1205G>A has been reported in the literature in multiple individuals affected with Mucopolysaccharidosis Type 1 and is reported as one of the most common pathogenic variants causing Mucopolysaccharidosis type I. Clinical and functional data are consistent with the pathogenic outcome for the variant. 11 clinical diagnostic laboratories have submitted clinical-significance assessments for this variant to ClinVar after 2014 without evidence for independent evaluation. All laboratories classified the variant as pathogenic. Based on the evidence outlined above, the variant was classified as pathogenic.